The following is an entry in ClinVar:

ClinVar aggregate classification (germline): Uncertain significance. Review status: criteria provided, multiple submitters, no conflicts (2 of 4 stars). 3 submissions from 3 submitters: Uncertain significance (3). Last evaluated 2025-01-25.

Conditions:
Inborn genetic diseases. Identifiers: MedGen C0950123, MeSH D030342.

Allele frequency attached by ClinVar (database versions not stated): gnomAD exomes 0.00001; ESP Exome Variant Server 0.00008.

Submissions (3):

Ambry Genetics
Classification: Uncertain significance for Inborn genetic diseases. Last evaluated: 2025-01-25. Review status: criteria provided, single submitter. Criteria: Ambry Variant Classification Scheme 2023. Collection method: clinical testing. Allele origin: germline.
Comment: The p.W725R variant (also known as c.2173T>C), located in coding exon 1 of the SAMD9L gene, results from a T to C substitution at nucleotide position 2173. The tryptophan at codon 725 is replaced by arginine, an amino acid with dissimilar properties. This amino acid position is conserved. In addition, this alteration is predicted to be tolerated by in silico analysis. Based on the available evidence, the clinical significance of this variant remains unclear.

GeneDx
Classification: Uncertain significance. Last evaluated: 2024-02-26. Review status: criteria provided, single submitter. Criteria: GeneDx Variant Classification Process June 2021. Collection method: clinical testing. Allele origin: germline. Affected: yes.
Comment: Not observed at significant frequency in large population cohorts (gnomAD); In silico analysis supports that this missense variant does not alter protein structure/function; Has not been previously published as pathogenic or benign to our knowledge

Labcorp Genetics (formerly Invitae), Labcorp
Classification: Uncertain significance. Last evaluated: 2021-06-10. Review status: criteria provided, single submitter. Criteria: Invitae Variant Classification Sherloc (09022015). Collection method: clinical testing. Allele origin: germline.
Comment: Algorithms developed to predict the effect of missense changes on protein structure and function output the following: SIFT: "Not Available"; PolyPhen-2: "Benign"; Align-GVGD: "Not Available". The arginine amino acid residue is found in multiple mammalian species, suggesting that this missense change does not adversely affect protein function. These predictions have not been confirmed by published functional studies and their clinical significance is uncertain. This variant has not been reported in the literature in individuals with SAMD9L-related conditions. This variant is not present in population databases (ExAC no frequency). This sequence change replaces tryptophan with arginine at codon 725 of the SAMD9L protein (p.Trp725Arg). The tryptophan residue is moderately conserved and there is a moderate physicochemical difference between tryptophan and arginine. In summary, the available evidence is currently insufficient to determine the role of this variant in disease. Therefore, it has been classified as a Variant of Uncertain Significance.

NM_152703.5(SAMD9L):c.2173T>C (p.Trp725Arg)

Gene: SAMD9L (sterile alpha motif domain containing 9 like; minus strand). Cytogenetic location: 7q21.2.
Variant type: single nucleotide variant.
Coding change: c.2173T>C on transcript NM_152703.5 (MANE Select); coding-DNA position 2173, T replaced by C.
Protein change: p.Trp725Arg; replaces tryptophan 725 with arginine.
Molecular consequence: missense variant.
Genome position (GRCh38, 1-based): chr7:93,133,799, A>G on the plus strand (T>C on the coding strand, the complement: SAMD9L is on the minus strand). VCF-style: chr7-93133799-A-G. GRCh37 (hg19) VCF-style: chr7-92763112-A-G.
Other names: c.2173T>C (NM_152703.2, NM_152703.3); c.2173T>C, p.Trp725Arg (NM_001303496.3, NM_001303497.3, NM_001303498.3 and 5 more transcripts); short protein forms W725R.
Identifiers: ClinVar variation 1400224 (VCV001400224.10), dbSNP rs375363352, ClinGen allele CA161961921.